The following is an entry in ClinVar:

NM_001033719.3(ZNF404):c.753G>A (p.Thr251=)

Gene: ZNF404 (zinc finger protein 404; minus strand). Cytogenetic location: 19q13.31.
Variant type: single nucleotide variant.
Coding change: c.753G>A on transcript NM_001033719.3 (MANE Select); coding-DNA position 753, G replaced by A.
Protein change: p.Thr251=; no amino-acid change (threonine 251 retained).
Molecular consequence: synonymous variant.
Genome position (GRCh38, 1-based): chr19:43,873,461, C>T on the plus strand (G>A on the coding strand, the complement: ZNF404 is on the minus strand). VCF-style: chr19-43873461-C-T. GRCh37 (hg19) VCF-style: chr19-44377613-C-T.
Identifiers: ClinVar variation 2650073 (VCV002650073.24), dbSNP rs144201116, ClinGen allele CA9492953.

ClinVar aggregate classification (germline): Likely benign (1 of 4 stars; one submission).

Allele frequency attached by ClinVar (database versions not stated): 1000 Genomes Project 30x 0.00219; 1000 Genomes Project 0.00220; TOPMed 0.00231; ESP Exome Variant Server 0.00237; gnomAD 0.00320; ExAC 0.00359; gnomAD exomes 0.00380.
gnomAD v4.1: 5,942 of 1,613,458 alleles (0.37%); highest among the groups gnomAD compares: Non-Finnish European, 0.43%; 22 homozygotes.

Submission:

CeGaT Center for Human Genetics Tuebingen
Classification: Likely benign. Last evaluated: 2023-02-01. Review status: criteria provided, single submitter. Criteria: CeGaT Center For Human Genetics Tuebingen Variant Classification Criteria Version 2. Collection method: clinical testing. Allele origin: germline. Affected: yes. Observed: 1 variant allele.
Comment: ZNF404: BP4, BP7, BS2